The following is an entry in ClinVar:

ClinVar aggregate classification (germline): Pathogenic (1 of 4 stars; one submission).

Conditions:
Hereditary spastic paraplegia 11. Also called: Spastic Paraplegia 11; Nakamura Osame syndrome; Autosomal recessive hereditary spastic paraplegia, mental impairment, and thin corpus callosum; SPASTIC PARAPLEGIA, AUTOSOMAL RECESSIVE, COMPLICATED, WITH THIN CORPUS CALLOSUM; SPASTIC PARAPLEGIA, AUTOSOMAL RECESSIVE, WITH MENTAL IMPAIRMENT AND THIN CORPUS CALLOSUM; Spastic paraplegia, mental retardation and thin corpus callosum. Identifiers: Orphanet 2822, MedGen C1858479, MONDO:0011445, OMIM 604360.

Submission:

Labcorp Genetics (formerly Invitae), Labcorp
Classification: Pathogenic for Hereditary spastic paraplegia 11. Last evaluated: 2023-08-17. Review status: criteria provided, single submitter. Criteria: Invitae Variant Classification Sherloc (09022015). Collection method: clinical testing. Allele origin: germline.
Comment: For these reasons, this variant has been classified as Pathogenic. ClinVar contains an entry for this variant (Variation ID: 1455626). This variant has not been reported in the literature in individuals affected with SPG11-related conditions. This variant is not present in population databases (gnomAD no frequency). This sequence change creates a premature translational stop signal (p.Leu1047*) in the SPG11 gene. It is expected to result in an absent or disrupted protein product. Loss-of-function variants in SPG11 are known to be pathogenic (PMID: 19105190, 20110243, 22154821, 26556829).

Literature cited by the submitters: PubMed 19105190; PubMed 20110243; PubMed 22154821; PubMed 26556829.

NM_025137.4(SPG11):c.3140T>G (p.Leu1047Ter)

Gene: SPG11 (SPG11 vesicle trafficking associated, spatacsin; minus strand). Cytogenetic location: 15q21.1.
Variant type: single nucleotide variant.
Coding change: c.3140T>G on transcript NM_025137.4 (MANE Select); coding-DNA position 3140, T replaced by G.
Protein change: p.Leu1047Ter; replaces leucine 1047 with a stop codon.
Molecular consequence: nonsense.
Genome position (GRCh38, 1-based): chr15:44,613,435, A>C on the plus strand (T>G on the coding strand, the complement: SPG11 is on the minus strand). VCF-style: chr15-44613435-A-C. GRCh37 (hg19) VCF-style: chr15-44905633-A-C.
Other names: c.3140T>G, p.Leu1047Ter (NM_001160227.2); short protein forms L1047*.
Identifiers: ClinVar variation 1455626 (VCV001455626.6), dbSNP rs2141010951, ClinGen allele CA392228138.